The following is an entry in ClinVar:

ClinVar aggregate classification (germline): Uncertain significance. Review status: criteria provided, single submitter (1 of 4 stars). 2 submissions from 2 submitters: Uncertain significance (1). 1 of the submissions does not count toward it. Last evaluated 2024-09-23.

Conditions:
CDKL5 disorder. Identifiers: MedGen CN296942, MONDO:0100039.
Developmental and epileptic encephalopathy, 2 (DEE2). Also called: INFANTILE SPASM SYNDROME, X-LINKED 2; CDKL5 deficiency disorder. Identifiers: Orphanet 1934, Orphanet 3451, Orphanet 505652, MedGen C4750718, MONDO:0010396, OMIM 300672.

Submissions (2):

Centre for Population Genomics, CPG
Classification: Uncertain significance for CDKL5 disorder. Last evaluated: 2024-09-23. Review status: criteria provided, single submitter. Criteria: McKnight et al. (Hum Mutat. 2022). Collection method: curation. Allele origin: germline. Inheritance: X-linked inheritance.
Comment: This variant has been collected from RettBASE and curated to current modified ACMG/AMP criteria. Based on the classification scheme defined by the ClinGen Rett/Angelman-like Expert Panel for Rett/AS-like Disorders Specifications to the ACMG/AMP Variant Interpretation Guidelines VCEP 3.0, this variant is classified as variant of uncertain significance. At least the following criteria are met: Has been observed in at least 2 individuals with phenotypes consistent with CDKL5 disorder (PS4_Supporting). Computational prediction analysis tools suggests a deleterious impact (REVEL score>= 0.75) (PP3). This variant is absent from gnomAD (PM2_Supporting).

RettBASE
Classification: Likely pathogenic for Epileptic encephalopathy, early infantile, 2. Last evaluated: 2014-03-13. Review status: no assertion criteria provided. Collection method: curation. Allele origin: unknown. Affected: yes. Observed: 1 variant allele. Not counted in ClinVar's aggregate classification.
Comment: Misnamed as p.Ala158Pro and c.473G>T; In silico prediction: SIFT = deleterious, MutationTaster = disease-causing, PolyPhen2 = probably damaging, AlignGVGD = benign (C0)

Literature cited by the submitters: PubMed 21309761 (cited by RettBASE).

NM_001323289.2(CDKL5):c.473G>C (p.Arg158Pro)

Gene: CDKL5 (cyclin dependent kinase like 5; plus strand). Cytogenetic location: Xp22.13.
Variant type: single nucleotide variant.
Coding change: c.473G>C on transcript NM_001323289.2 (MANE Select); coding-DNA position 473, G replaced by C.
Protein change: p.Arg158Pro; replaces arginine 158 with proline.
Molecular consequence: missense variant.
Genome position (GRCh38, 1-based): chrX:18,584,272, G>C. VCF-style: chrX-18584272-G-C. GRCh37 (hg19) VCF-style: chrX-18602392-G-C.
Other names: NM_001323289.2(CDKL5):c.473G>C; p.Arg158Pro; c.473G>C, p.Arg158Pro (NM_001037343.2, NM_003159.3); short protein forms R158P.
Identifiers: ClinVar variation 189547 (VCV000189547.4), dbSNP rs757402424, ClinGen allele CA199368.